The following is an entry in ClinVar:

NM_003072.5(SMARCA4):c.4588A>G (p.Met1530Val)

Gene: SMARCA4 (SWI/SNF related BAF chromatin remodeling complex subunit ATPase 4; plus strand). Cytogenetic location: 19p13.2.
Variant type: single nucleotide variant.
Coding change: c.4588A>G on transcript NM_003072.5 (MANE Select); coding-DNA position 4588, A replaced by G.
Protein change: p.Met1530Val; replaces methionine 1530 with valine.
Molecular consequence: missense variant. On other transcripts: non-coding transcript variant (1).
Genome position (GRCh38, 1-based): chr19:11,058,842, A>G. VCF-style: chr19-11058842-A-G. GRCh37 (hg19) VCF-style: chr19-11169518-A-G.
Other names: c.4588A>G, p.Met1530Val (NM_001128844.3); c.4498A>G, p.Met1500Val (NM_001128845.2); c.4495A>G, p.Met1499Val (NM_001128846.2); c.4489A>G, p.Met1497Val (NM_001128847.4, NM_001374457.1); c.4486A>G, p.Met1496Val (NM_001128848.2); c.4684A>G, p.Met1562Val (NM_001128849.3, NM_001387283.1); c.4585A>G, p.Met1529Val (NM_001411150.1); short protein forms M1499V, M1496V, M1497V, M1500V, M1562V, M1529V, M1530V.
Identifiers: ClinVar variation 1899287 (VCV001899287.5), dbSNP rs2147098089, ClinGen allele CA404078925.

ClinVar aggregate classification (germline): Uncertain significance (1 of 4 stars; one submission).

Conditions:
Rhabdoid tumor predisposition syndrome 2 (RTPS2). Identifiers: Orphanet 231108, Orphanet 69077, MedGen C2750074, MONDO:0013224, OMIM 613325.

Submission:

Labcorp Genetics (formerly Invitae), Labcorp
Classification: Uncertain significance for Rhabdoid tumor predisposition syndrome 2. Last evaluated: 2022-04-12. Review status: criteria provided, single submitter. Criteria: Invitae Variant Classification Sherloc (09022015). Collection method: clinical testing. Allele origin: germline.
Comment: In summary, the available evidence is currently insufficient to determine the role of this variant in disease. Therefore, it has been classified as a Variant of Uncertain Significance. Algorithms developed to predict the effect of missense changes on protein structure and function are either unavailable or do not agree on the potential impact of this missense change (SIFT: "Deleterious"; PolyPhen-2: "Benign"; Align-GVGD: "Class C15"). This variant has not been reported in the literature in individuals affected with SMARCA4-related conditions. This variant is not present in population databases (gnomAD no frequency). This sequence change replaces methionine, which is neutral and non-polar, with valine, which is neutral and non-polar, at codon 1562 of the SMARCA4 protein (p.Met1562Val).